The following is an entry in ClinVar:

ClinVar aggregate classification (germline): Uncertain significance (1 of 4 stars; one submission).

Conditions:
Inborn genetic diseases. Identifiers: MedGen C0950123, MeSH D030342.

gnomAD v4.1: 2 of 1,608,534 alleles (0.00012%); highest among the groups gnomAD compares: Non-Finnish European, 0.00017%; no homozygotes.

Submission:

Ambry Genetics
Classification: Uncertain significance for Inborn genetic diseases. Last evaluated: 2025-03-31. Review status: criteria provided, single submitter. Criteria: Ambry Variant Classification Scheme 2023. Collection method: clinical testing. Allele origin: germline.
Comment: The p.G674D variant (also known as c.2021G>A), located in coding exon 22 of the RTEL1 gene, results from a G to A substitution at nucleotide position 2021. The glycine at codon 674 is replaced by aspartic acid, an amino acid with similar properties. This amino acid position is conserved. In addition, this alteration is predicted to be tolerated by in silico analysis. Based on the available evidence, the clinical significance of this variant remains unclear.

NM_001283009.2(RTEL1):c.2021G>A (p.Gly674Asp)

Genes: RTEL1 (regulator of telomere elongation helicase 1; plus strand), RTEL1-TNFRSF6B (RTEL1-TNFRSF6B readthrough (NMD candidate); plus strand). Cytogenetic location: 20q13.33.
Variant type: single nucleotide variant.
Coding change: c.2021G>A on transcript NM_001283009.2 (MANE Select); coding-DNA position 2021, G replaced by A.
Protein change: p.Gly674Asp; replaces glycine 674 with aspartic acid.
Molecular consequence: missense variant. On other transcripts: non-coding transcript variant (1).
Genome position (GRCh38, 1-based): chr20:63,689,644, G>A. VCF-style: chr20-63689644-G-A. GRCh37 (hg19) VCF-style: chr20-62320997-G-A.
Other names: c.1352G>A, p.Gly451Asp (NM_001283010.1); c.2021G>A, p.Gly674Asp (NM_016434.4); c.2093G>A, p.Gly698Asp (NM_032957.5); short protein forms G451D, G674D, G698D.
Identifiers: ClinVar variation 3948279 (VCV003948279.1).
Genomic context (GRCh38, chr20:63,689,644, plus strand): 5'-CCCGGGTTGTCCTCAAGATGCAGTTCCTGGATGAGATGAAGGGCCAGGGTGGGGCTGGGG[G>A]CCAGGTGAGTTACAGCAGGGTGGGGCTGGGGTAAGGCGGTCTGGTGACTGAGCCCCCGCC-3'
Protein context (NP_001269938.1, residues 664-684): DEMKGQGGAG[Gly674Asp]QFLSGQEWYR